The following is an entry in ClinVar:

NM_176787.5(PIGN):c.2408A>G (p.Asn803Ser)

Gene: PIGN (phosphatidylinositol glycan anchor biosynthesis class N; minus strand). Cytogenetic location: 18q21.33.
Variant type: single nucleotide variant.
Coding change: c.2408A>G on transcript NM_176787.5 (MANE Select); coding-DNA position 2408, A replaced by G.
Protein change: p.Asn803Ser; replaces asparagine 803 with serine.
Molecular consequence: missense variant.
Genome position (GRCh38, 1-based): chr18:62,085,227, T>C on the plus strand (A>G on the coding strand, the complement: PIGN is on the minus strand). VCF-style: chr18-62085227-T-C. GRCh37 (hg19) VCF-style: chr18-59752460-T-C.
Other names: c.2408A>G, p.Asn803Ser (NM_012327.6); short protein forms N803S.
Identifiers: ClinVar variation 1467152 (VCV001467152.8), dbSNP rs2145961829, ClinGen allele CA402601557.

ClinVar aggregate classification (germline): Uncertain significance (1 of 4 stars; one submission).

Conditions:
Multiple congenital anomalies-hypotonia-seizures syndrome 1 (MCAHS1). Also called: PIGN-CDG; Congenital disorder of glycosylation due to PIGN deficiency; GLYCOSYLPHOSPHATIDYLINOSITOL BIOSYNTHESIS DEFECT 3. Identifiers: Orphanet 280633, MedGen C3279775, MONDO:0013563, OMIM 614080.

Submission:

Labcorp Genetics (formerly Invitae), Labcorp
Classification: Uncertain significance for Multiple congenital anomalies-hypotonia-seizures syndrome 1. Last evaluated: 2022-06-13. Review status: criteria provided, single submitter. Criteria: Invitae Variant Classification Sherloc (09022015). Collection method: clinical testing. Allele origin: germline.
Comment: Algorithms developed to predict the effect of missense changes on protein structure and function are either unavailable or do not agree on the potential impact of this missense change (SIFT: "Not Available"; PolyPhen-2: "Probably Damaging"; Align-GVGD: "Not Available"). This variant has not been reported in the literature in individuals affected with PIGN-related conditions. This variant is not present in population databases (gnomAD no frequency). This sequence change replaces asparagine, which is neutral and polar, with serine, which is neutral and polar, at codon 803 of the PIGN protein (p.Asn803Ser). In summary, the available evidence is currently insufficient to determine the role of this variant in disease. Therefore, it has been classified as a Variant of Uncertain Significance.